The following is an entry in ClinVar:

NM_000059.4(BRCA2):c.982A>G (p.Thr328Ala)

Gene: BRCA2 (BRCA2 DNA repair associated; plus strand). Cytogenetic location: 13q13.1.
Variant type: single nucleotide variant.
Coding change: c.982A>G on transcript NM_000059.4 (MANE Select); coding-DNA position 982, A replaced by G.
Protein change: p.Thr328Ala; replaces threonine 328 with alanine.
Molecular consequence: missense variant. On other transcripts: non-coding transcript variant (1), intron variant (1).
Genome position (GRCh38, 1-based): chr13:32,332,460, A>G. VCF-style: chr13-32332460-A-G. GRCh37 (hg19) VCF-style: chr13-32906597-A-G.
Other names: c.982A>G, p.Thr328Ala (NM_001406719.1, NM_001406720.1, NM_001406721.1 and 1 more transcripts); c.424+1430A>G (NM_001406722.1); short protein forms T328A.
Identifiers: ClinVar variation 4867864 (VCV004867864.1).

ClinVar aggregate classification (germline): Uncertain significance (1 of 4 stars; one submission).

Conditions:
Hereditary cancer-predisposing syndrome. Also called: Neoplastic Syndromes, Hereditary; Tumor predisposition; Hereditary Cancer Syndrome; Hereditary neoplastic syndrome. Identifiers: Orphanet 140162, MedGen C0027672, MeSH D009386, MONDO:0015356.

Submission:

Ambry Genetics
Classification: Uncertain significance for Hereditary cancer-predisposing syndrome. Last evaluated: 2026-05-26. Review status: criteria provided, single submitter. Criteria: Ambry Variant Classification Scheme 2023. Collection method: clinical testing. Allele origin: germline.
Comment: The p.T328A variant (also known as c.982A>G), located in coding exon 9 of the BRCA2 gene, results from an A to G substitution at nucleotide position 982. The threonine at codon 328 is replaced by alanine, an amino acid with similar properties. This amino acid position is not well conserved in available vertebrate species. In addition, this alteration is predicted to be tolerated by in silico analysis. Based on the available evidence, the clinical significance of this variant remains unclear.